The following is an entry in ClinVar:

ClinVar aggregate classification (germline): Conflicting classifications of pathogenicity. Review status: criteria provided, conflicting classifications (1 of 4 stars). 2 submissions from 2 submitters: Pathogenic (1); Uncertain significance (1). Last evaluated 2023-11-22.

Conditions:
Hereditary cancer-predisposing syndrome. Also called: Neoplastic Syndromes, Hereditary; Hereditary Cancer Syndrome; Tumor predisposition; Hereditary neoplastic syndrome. Identifiers: Orphanet 140162, MedGen C0027672, MeSH D009386, MONDO:0015356.
Oligodontia-cancer predisposition syndrome. Also called: TOOTH AGENESIS-COLORECTAL CANCER SYNDROME. Identifiers: Orphanet 300576, MedGen C1837750, MONDO:0012075, OMIM 608615. Disease mechanism: loss of function.

Submissions (2):

Ambry Genetics
Classification: Pathogenic for Hereditary cancer-predisposing syndrome. Last evaluated: 2023-11-22. Review status: criteria provided, single submitter. Criteria: Ambry Variant Classification Scheme 2023. Collection method: clinical testing. Allele origin: germline.
Comment: The p.Q607* pathogenic mutation (also known as c.1819C>T), located in coding exon 6 of the AXIN2 gene, results from a C to T substitution at nucleotide position 1819. This changes the amino acid from a glutamine to a stop codon within coding exon 6. This variant is considered to be rare based on population cohorts in the Genome Aggregation Database (gnomAD). This alteration is expected to result in loss of function by premature protein truncation or nonsense-mediated mRNA decay. As such, this alteration is interpreted as a disease-causing mutation.

Labcorp Genetics (formerly Invitae), Labcorp
Classification: Uncertain significance for Oligodontia-cancer predisposition syndrome. Last evaluated: 2022-01-13. Review status: criteria provided, single submitter. Criteria: Invitae Variant Classification Sherloc (09022015). Collection method: clinical testing. Allele origin: germline.
Comment: In summary, the available evidence is currently insufficient to determine the role of this variant in disease. Therefore, it has been classified as a Variant of Uncertain Significance. This variant has not been reported in the literature in individuals affected with AXIN2-related conditions. This variant is not present in population databases (gnomAD no frequency). This sequence change creates a premature translational stop signal (p.Gln607*) in the AXIN2 gene. Loss-of-function variants in AXIN2 are known to be pathogenic (PMID: 21416598, 15042511). However, tissue-specific alternative splicing of AXIN2 gene results in functional isoform lacking in-frame exon 7 (also known as exon 6, PMID: 15735151). For this reason the clinical significance of loss of function variants in exon 7 is currently uncertain.

Literature cited by the submitters: PubMed 21416598 (cited by Labcorp Genetics (formerly Invitae), Labcorp); PubMed 15042511 (cited by Labcorp Genetics (formerly Invitae), Labcorp).

NM_004655.4(AXIN2):c.1819C>T (p.Gln607Ter)

Gene: AXIN2 (axin 2; minus strand). Cytogenetic location: 17q24.1.
Variant type: single nucleotide variant.
Coding change: c.1819C>T on transcript NM_004655.4 (MANE Select); coding-DNA position 1819, C replaced by T.
Protein change: p.Gln607Ter; replaces glutamine 607 with a stop codon.
Molecular consequence: nonsense. On other transcripts: intron variant (1).
Genome position (GRCh38, 1-based): chr17:65,536,957, G>A on the plus strand (C>T on the coding strand, the complement: AXIN2 is on the minus strand). VCF-style: chr17-65536957-G-A. GRCh37 (hg19) VCF-style: chr17-63533075-G-A.
Other names: c.1712+367C>T (NM_001363813.1); short protein forms Q607*.
Identifiers: ClinVar variation 2152883 (VCV002152883.5), dbSNP rs2144449769, ClinGen allele CA400676564.